The following is an entry in ClinVar:

NM_000540.3(RYR1):c.11034+20G>T

Gene: RYR1 (ryanodine receptor 1; plus strand). Cytogenetic location: 19q13.2.
Variant type: single nucleotide variant.
Coding change: c.11034+20G>T on transcript NM_000540.3 (MANE Select); 20 bases into the intron after coding-DNA position 11034, G replaced by T.
Molecular consequence: intron variant.
Genome position (GRCh38, 1-based): chr19:38,528,715, G>T. VCF-style: chr19-38528715-G-T. GRCh37 (hg19) VCF-style: chr19-39019355-G-T.
Other names: c.11019+20G>T (NM_001042723.2).
Identifiers: ClinVar variation 93245 (VCV000093245.18), dbSNP rs186460831, ClinGen allele CA023883.

ClinVar aggregate classification (germline): Benign/Likely benign. Review status: criteria provided, multiple submitters, no conflicts (2 of 4 stars). 8 submissions from 8 submitters: Benign (5); Likely benign (3). Last evaluated 2026-02-01.

Conditions:
RYR1-related disorder. Also called: RYR1-related condition; RYR1-related disorders. Identifiers: MedGen CN239331.
Malignant hyperthermia, susceptibility to, 1 (MHS1). Also called: Malignant hyperthermia suceptibility 1; Anesthesia related hyperthermia; Malignant hyperpyrexia; Fulminating hyperpyrexia; Pharmacogenic myopathy; RYR1-Related Malignant Hyperthermia Susceptibility. Identifiers: Orphanet 423, MedGen C2930980, MONDO:0007783, OMIM 145600.
King Denborough syndrome (KDS). Identifiers: MedGen C1840365, MONDO:0020485, OMIM 619542.
Central core myopathy (CMYO1A). Also called: CONGENITAL MYOPATHY 1A, AUTOSOMAL DOMINANT, WITH SUSCEPTIBILITY TO MALIGNANT HYPERTHERMIA; Central core disease; Myopathy, central fibrillar. Identifiers: Orphanet 597, MedGen C5830701, MONDO:0007294, OMIM 117000.
Congenital multicore myopathy with external ophthalmoplegia (CMYO1B). Also called: MULTIMINICORE DISEASE WITH EXTERNAL OPHTHALMOPLEGIA; MULTICORE MYOPATHY; Minicore myopathy with external ophthalmoplegia; Congenital myopathy 1B, autosomal recessive; Minicore myopathy. Identifiers: Orphanet 598, Orphanet 98905, MedGen C1850674, MONDO:0009712, OMIM 255320, HP:0003789.
Congenital myopathy with fiber type disproportion. Also called: Congenital fiber-type disproportion myopathy; Congenital fiber-type disproportion. Identifiers: Orphanet 2020, MedGen C0546264, MONDO:0009711. Inheritance: all.

Allele frequency attached by ClinVar (database versions not stated): gnomAD exomes 0.00036 and 0.00098; ExAC 0.00127; ESP Exome Variant Server 0.00392; TOPMed 0.00417; gnomAD 0.00456; 1000 Genomes Project 0.00599; 1000 Genomes Project 30x 0.00609.
gnomAD v4.1: 1,145 of 1,612,464 alleles (0.071%); highest among the groups gnomAD compares: African/African-American, 1.3%; 10 homozygotes.

Submissions (8):

Labcorp Genetics (formerly Invitae), Labcorp
Classification: Benign for RYR1-related disorder. Last evaluated: 2026-02-01. Review status: criteria provided, single submitter. Criteria: Invitae Variant Classification Sherloc (09022015). Collection method: clinical testing. Allele origin: germline.

ARUP Laboratories, Molecular Genetics and Genomics, ARUP Laboratories
Classification: Benign. Last evaluated: 2025-06-27. Review status: criteria provided, single submitter. Criteria: ARUP Molecular Germline Variant Investigation Process 2024. Collection method: clinical testing. Allele origin: germline.

Blueprint Genetics
Classification: Likely benign. Last evaluated: 2024-11-25. Review status: criteria provided, single submitter. Criteria: ACMG Guidelines, 2015. Collection method: clinical testing. Allele origin: germline.

Fulgent Genetics
Classification: Benign for Central core myopathy; Malignant hyperthermia, susceptibility to, 1; Congenital myopathy 4A, autosomal dominant; Congenital multicore myopathy with external ophthalmoplegia; King Denborough syndrome. Last evaluated: 2021-08-11. Review status: criteria provided, single submitter. Criteria: ACMG Guidelines, 2015. Collection method: clinical testing. Allele origin: unknown.

GeneDx
Classification: Likely benign. Last evaluated: 2018-03-13. Review status: criteria provided, single submitter. Criteria: GeneDx Variant Classification (06012015). Collection method: clinical testing. Allele origin: germline. Affected: yes.
Comment: This variant is considered likely benign or benign based on one or more of the following criteria: it is a conservative change, it occurs at a poorly conserved position in the protein, it is predicted to be benign by multiple in silico algorithms, and/or has population frequency not consistent with disease.

PreventionGenetics, part of Exact Sciences
Classification: Benign. Last evaluated: 2017-08-30. Review status: criteria provided, single submitter. Criteria: ACMG Guidelines, 2015. Collection method: clinical testing. Allele origin: germline.

Eurofins Ntd Llc (ga)
Classification: Benign. Last evaluated: 2013-05-07. Review status: criteria provided, single submitter. Criteria: EGL Classification Definitions 2015. Collection method: clinical testing. Allele origin: germline. Observed: 1 variant allele, 1 heterozygote.

Breakthrough Genomics
Classification: Likely benign. Review status: criteria provided, single submitter. Criteria: ACMG Guidelines, 2015. Collection method: not provided. Allele origin: germline. Inheritance: Autosomal recessive inheritance. Affected: yes.